The following is an entry in ClinVar:

NM_058216.3(RAD51C):c.65C>T (p.Ala22Val)

Gene: RAD51C (RAD51 paralog C; plus strand). Cytogenetic location: 17q22.
Variant type: single nucleotide variant.
Coding change: c.65C>T on transcript NM_058216.3 (MANE Select); coding-DNA position 65, C replaced by T.
Protein change: p.Ala22Val; replaces alanine 22 with valine.
Molecular consequence: missense variant. On other transcripts: non-coding transcript variant (1).
Genome position (GRCh38, 1-based): chr17:58,692,708, C>T. VCF-style: chr17-58692708-C-T. GRCh37 (hg19) VCF-style: chr17-56770069-C-T.
Other names: c.65C>T (NM_058216.1); c.65C>T, p.Ala22Val (NM_002876.4); short protein forms A22V.
Identifiers: ClinVar variation 1098885 (VCV001098885.3), dbSNP rs2143676047, ClinGen allele CA400336839.

ClinVar aggregate classification (germline): Uncertain significance. Review status: criteria provided, multiple submitters, no conflicts (2 of 4 stars). 2 submissions from 2 submitters: Uncertain significance (2). Last evaluated 2022-04-05.

Conditions:
Hereditary cancer-predisposing syndrome. Also called: Tumor predisposition; Hereditary neoplastic syndrome; Hereditary Cancer Syndrome; Neoplastic Syndromes, Hereditary. Identifiers: Orphanet 140162, MedGen C0027672, MeSH D009386, MONDO:0015356.
Breast-ovarian cancer, familial, susceptibility to, 3. Also called: RAD51C-Related Breast/Ovarian Cancer. Identifiers: Orphanet 145, MedGen C3150659, MONDO:0013253, OMIM 613399.

Submissions (2):

Ambry Genetics
Classification: Uncertain significance for Hereditary cancer-predisposing syndrome. Last evaluated: 2022-04-05. Review status: criteria provided, single submitter. Criteria: Ambry Variant Classification Scheme 2023. Collection method: clinical testing. Allele origin: germline.
Comment: The p.A22V variant (also known as c.65C>T), located in coding exon 1 of the RAD51C gene, results from a C to T substitution at nucleotide position 65. The alanine at codon 22 is replaced by valine, an amino acid with similar properties. This amino acid position is poorly conserved in available vertebrate species. In addition, this alteration is predicted to be tolerated by in silico analysis. Since supporting evidence is limited at this time, the clinical significance of this alteration remains unclear.

Hereditary Cancer Group, L’Institut d'Investigació Biomèdica de Bellvitge
Classification: Uncertain significance for Breast-ovarian cancer, familial, susceptibility to, 3. Last evaluated: 2021-05-03. Review status: criteria provided, single submitter. Criteria: ACMG Guidelines, 2015. Collection method: curation. Allele origin: germline.

Literature cited by the submitters: PubMed 29522266 (cited by Hereditary Cancer Group, L’Institut d'Investigació Biomèdica de Bellvitge).